The following is an entry in ClinVar:

NM_001145809.2(MYH14):c.1779G>A (p.Pro593=)

Gene: MYH14 (myosin heavy chain 14; plus strand). Cytogenetic location: 19q13.33.
Variant type: single nucleotide variant.
Coding change: c.1779G>A on transcript NM_001145809.2 (MANE Select); coding-DNA position 1779, G replaced by A.
Protein change: p.Pro593=; no amino-acid change (proline 593 retained).
Molecular consequence: synonymous variant.
Genome position (GRCh38, 1-based): chr19:50,250,637, G>A. VCF-style: chr19-50250637-G-A. GRCh37 (hg19) VCF-style: chr19-50753894-G-A.
Other names: c.1779G>A, p.Pro593= (NM_001077186.2); c.1755G>A, p.Pro585= (NM_024729.4); c.1779G>A (NM_001145809.1).
Identifiers: ClinVar variation 329912 (VCV000329912.48), dbSNP rs557237074, ClinGen allele CA9592709.

ClinVar aggregate classification (germline): Conflicting classifications of pathogenicity. Review status: criteria provided, conflicting classifications (1 of 4 stars). 3 submissions from 3 submitters: Uncertain significance (2); Likely benign (1). Last evaluated 2025-09-17.

Conditions:
MYH14-related disorder. Also called: MYH14-related condition.
Autosomal dominant nonsyndromic hearing loss 4A. Also called: Deafness, autosomal dominant 4A. Identifiers: Orphanet 90635, MedGen C1833503, MONDO:0010915, OMIM 600652.

Allele frequency attached by ClinVar (database versions not stated): gnomAD 0.00004; TOPMed 0.00004; 1000 Genomes Project 0.00020; 1000 Genomes Project 30x 0.00031.
gnomAD v4.1: 32 of 1,614,000 alleles (0.002%); highest among the groups gnomAD compares: African/African-American, 0.013%; no homozygotes.

Submissions (3):

PreventionGenetics, part of Exact Sciences
Classification: Likely benign for MYH14-related condition. Last evaluated: 2025-09-17. Review status: criteria provided, single submitter. Criteria: ACMG Guidelines, 2015. Collection method: clinical testing. Allele origin: germline.
Comment: This variant is classified as likely benign based on ACMG/AMP sequence variant interpretation guidelines (Richards et al. 2015 PMID: 25741868, with internal and published modifications).

Illumina Laboratory Services, Illumina
Classification: Uncertain significance for Autosomal dominant nonsyndromic hearing loss 4A. Last evaluated: 2018-01-13. Review status: criteria provided, single submitter. Criteria: ICSL Variant Classification Criteria 13 December 2019. Collection method: clinical testing. Allele origin: germline.

CeGaT Center for Human Genetics Tuebingen
Classification: Uncertain significance. Last evaluated: 2016-05-01. Review status: criteria provided, single submitter. Criteria: CeGaT Center For Human Genetics Tuebingen Variant Classification Criteria Version 2. Collection method: clinical testing. Allele origin: germline. Affected: yes. Observed: 1 variant allele.